The following is an entry in ClinVar:

ClinVar aggregate classification (germline): Benign/Likely benign. Review status: criteria provided, multiple submitters, no conflicts (2 of 4 stars). 3 submissions from 3 submitters: Benign (1); Likely benign (2). Last evaluated 2025-01-03.

Conditions:
Hereditary cancer-predisposing syndrome. Also called: Neoplastic Syndromes, Hereditary; Tumor predisposition; Hereditary neoplastic syndrome; Hereditary Cancer Syndrome. Identifiers: Orphanet 140162, MedGen C0027672, MeSH D009386, MONDO:0015356.
Lynch syndrome 5 (LYNCH5). Also called: Colorectal cancer, hereditary nonpolyposis, type 5; Hereditary non-polyposis colorectal cancer, type 5. Identifiers: Orphanet 144, MedGen C1833477, MONDO:0013710, OMIM 614350. Disease mechanism: loss of function.
Hereditary nonpolyposis colorectal neoplasms. Identifiers: MedGen C0009405, MeSH D003123.

Submissions (3):

Myriad Genetics, Inc.
Classification: Benign for Lynch syndrome 5. Last evaluated: 2025-01-03. Review status: criteria provided, single submitter. Criteria: Myriad Autosomal Dominant, Autosomal Recessive and X-Linked Classification Criteria (2023). Collection method: clinical testing. Allele origin: unknown.
Comment: This variant is considered benign. This variant is a silent/synonymous amino acid change and it is not expected to impact splicing.

Labcorp Genetics (formerly Invitae), Labcorp
Classification: Likely benign for Hereditary nonpolyposis colorectal neoplasms. Last evaluated: 2021-07-14. Review status: criteria provided, single submitter. Criteria: Invitae Variant Classification Sherloc (09022015). Collection method: clinical testing. Allele origin: germline.

Color Diagnostics, LLC DBA Color Health
Classification: Likely benign for Hereditary cancer-predisposing syndrome. Last evaluated: 2018-10-19. Review status: criteria provided, single submitter. Criteria: ACMG Guidelines, 2015. Collection method: clinical testing. Allele origin: germline.

NM_000179.3(MSH6):c.3108G>C (p.Leu1036=)

Gene: MSH6 (mutS homolog 6; plus strand). Cytogenetic location: 2p16.3.
Variant type: single nucleotide variant.
Coding change: c.3108G>C on transcript NM_000179.3 (MANE Select); coding-DNA position 3108, G replaced by C.
Protein change: p.Leu1036=; no amino-acid change (leucine 1036 retained).
Molecular consequence: synonymous variant.
Genome position (GRCh38, 1-based): chr2:47,801,091, G>C. VCF-style: chr2-47801091-G-C. GRCh37 (hg19) VCF-style: chr2-48028230-G-C.
Other names: c.2718G>C, p.Leu906= (NM_001281492.2); c.2202G>C, p.Leu734= (NM_001281493.2, NM_001281494.2).
Identifiers: ClinVar variation 629668 (VCV000629668.11), dbSNP rs1399581663, ClinGen allele CA426121982.